The following is an entry in ClinVar:

ClinVar aggregate classification (germline): Uncertain significance. Review status: criteria provided, multiple submitters, no conflicts (2 of 4 stars). 3 submissions from 3 submitters: Uncertain significance (3). Last evaluated 2026-02-10.

Conditions:
Inborn genetic diseases. Identifiers: MedGen C0950123, MeSH D030342.

gnomAD v4.1: 40 of 1,613,482 alleles (0.0025%); highest among the groups gnomAD compares: South Asian, 0.022%; no homozygotes.

Submissions (3):

GeneDx
Classification: Uncertain significance. Last evaluated: 2026-02-10. Review status: criteria provided, single submitter. Criteria: GeneDx Variant Classification Process June 2021. Collection method: clinical testing. Allele origin: germline.
Comment: In silico analysis suggests that this missense variant does not alter protein structure/function; Has not been previously published as pathogenic or benign to our knowledge

Blueprint Genetics
Classification: Uncertain significance. Last evaluated: 2024-10-15. Review status: criteria provided, single submitter. Criteria: ACMG Guidelines, 2015. Collection method: clinical testing. Allele origin: germline.

Ambry Genetics
Classification: Uncertain significance for Inborn genetic diseases. Last evaluated: 2022-03-29. Review status: criteria provided, single submitter. Criteria: Ambry Variant Classification Scheme 2023. Collection method: clinical testing. Allele origin: germline.

NM_005559.4(LAMA1):c.6220G>A (p.Val2074Met)

Gene: LAMA1 (laminin subunit alpha 1; minus strand). Cytogenetic location: 18p11.31.
Variant type: single nucleotide variant.
Coding change: c.6220G>A on transcript NM_005559.4 (MANE Select); coding-DNA position 6220, G replaced by A.
Protein change: p.Val2074Met; replaces valine 2074 with methionine.
Molecular consequence: missense variant.
Genome position (GRCh38, 1-based): chr18:6,977,852, C>T on the plus strand (G>A on the coding strand, the complement: LAMA1 is on the minus strand). VCF-style: chr18-6977852-C-T. GRCh37 (hg19) VCF-style: chr18-6977851-C-T.
Other names: short protein forms V2074M.
Identifiers: ClinVar variation 1803425 (VCV001803425.4), dbSNP rs758250392, ClinGen allele CA8881306.